The following is an entry in ClinVar:

ClinVar aggregate classification (germline): Benign/Likely benign. Review status: criteria provided, multiple submitters, no conflicts (2 of 4 stars). 5 submissions from 5 submitters: Benign (2); Likely benign (2). 1 of the submissions does not count toward it. Last evaluated 2026-02-01.

Conditions:
Epidermolysis bullosa dystrophica inversa, autosomal recessive. Identifiers: MedGen C2673612.

Allele frequency attached by ClinVar (database versions not stated): gnomAD exomes 0.00007 and 0.00015; ExAC 0.00016; gnomAD 0.00029 and 0.00032; ESP Exome Variant Server 0.00031; TOPMed 0.00031; 1000 Genomes Project 30x 0.00125; 1000 Genomes Project 0.00140.
gnomAD v4.1: 191 of 1,613,856 alleles (0.012%); highest among the groups gnomAD compares: Middle Eastern, 0.16%; 2 homozygotes.

Submissions (5):

CeGaT Center for Human Genetics Tuebingen
Classification: Likely benign. Last evaluated: 2026-02-01. Review status: criteria provided, single submitter. Criteria: CeGaT Center For Human Genetics Tuebingen Variant Classification Criteria Version 2. Collection method: clinical testing. Allele origin: germline. Affected: yes. Observed: 2 variant alleles.
Comment: COL7A1: BP4

Labcorp Genetics (formerly Invitae), Labcorp
Classification: Benign. Last evaluated: 2026-01-26. Review status: criteria provided, single submitter. Criteria: Invitae Variant Classification Sherloc (09022015). Collection method: clinical testing. Allele origin: germline.

Blueprint Genetics
Classification: Likely benign. Last evaluated: 2024-10-23. Review status: criteria provided, single submitter. Criteria: ACMG Guidelines, 2015. Collection method: clinical testing. Allele origin: germline.

Breakthrough Genomics
Classification: Benign. Review status: criteria provided, single submitter. Criteria: ACMG Guidelines, 2015. Collection method: not provided. Allele origin: germline. Inheritance: Autosomal recessive inheritance. Affected: yes.

Natera, Inc.
Classification: Benign for Autosomal recessive epidermolysis bullosa dystrophica inversa. Last evaluated: 2020-09-16. Review status: no assertion criteria provided. Collection method: clinical testing. Allele origin: germline. Not counted in ClinVar's aggregate classification.

NM_000094.4(COL7A1):c.8047-4C>T

Gene: COL7A1 (collagen type VII alpha 1 chain; minus strand). Cytogenetic location: 3p21.31.
Variant type: single nucleotide variant.
Coding change: c.8047-4C>T on transcript NM_000094.4 (MANE Select); 4 bases into the intron before coding-DNA position 8047, C replaced by T.
Molecular consequence: intron variant.
Genome position (GRCh38, 1-based): chr3:48,567,194, G>A on the plus strand (C>T on the coding strand, the complement: COL7A1 is on the minus strand). VCF-style: chr3-48567194-G-A. GRCh37 (hg19) VCF-style: chr3-48604627-G-A.
Identifiers: ClinVar variation 750772 (VCV000750772.36), dbSNP rs185429200, ClinGen allele CA2378177.